The following is an entry in ClinVar:

NM_001042424.3(NSD2):c.2803C>T (p.Arg935Ter)

Gene: NSD2 (nuclear receptor binding SET domain protein 2; plus strand). Cytogenetic location: 4p16.3.
Variant type: single nucleotide variant.
Coding change: c.2803C>T on transcript NM_001042424.3 (MANE Select); coding-DNA position 2803, C replaced by T.
Protein change: p.Arg935Ter; replaces arginine 935 with a stop codon.
Molecular consequence: nonsense.
Genome position (GRCh38, 1-based): chr4:1,956,110, C>T. VCF-style: chr4-1956110-C-T. GRCh37 (hg19) VCF-style: chr4-1957837-C-T.
Other names: R935*; c.2803C>T, p.Arg935Ter (NM_133330.3, NM_133331.3, NM_133335.4); c.2803C>T (NM_133330.2).
Identifiers: ClinVar variation 1333175 (VCV001333175.3), dbSNP rs2108959336, ClinGen allele CA355991800.

ClinVar aggregate classification (germline): Pathogenic. Review status: criteria provided, multiple submitters, no conflicts (2 of 4 stars). 3 submissions from 3 submitters: Pathogenic (2). 1 of the submissions does not count toward it. Last evaluated 2023-06-11.

Conditions:
Rauch-Steindl syndrome (RAUST). Identifiers: Orphanet 659642, MedGen C5562061, MONDO:0859219, OMIM 619695.

Submissions (3):

3billion
Classification: Pathogenic for Rauch-Steindl syndrome. Last evaluated: 2023-06-11. Review status: criteria provided, single submitter. Criteria: ACMG Guidelines, 2015. Collection method: clinical testing. Allele origin: germline. Affected: yes.
Comment: The variant is not observed in the gnomAD v2.1.1 dataset. Predicted Consequence/Location: Stop-gained (nonsense): predicted to result in a loss or disruption of normal protein function through nonsense-mediated decay (NMD) or protein truncation. Multiple pathogenic variants are reported downstream of the variant. The variant has been previously reported as de novo in a similarly affected individual (PMID: 29892088). The variant has been reported to be associated with NSD2 related disorder (ClinVar ID: VCV001333175 /PMID: 29892088). Therefore, this variant is classified as Pathogenic according to the recommendation of ACMG/AMP guideline.

GeneDx
Classification: Pathogenic. Last evaluated: 2023-05-15. Review status: criteria provided, single submitter. Criteria: GeneDx Variant Classification Process June 2021. Collection method: clinical testing. Allele origin: germline. Affected: yes.
Comment: Nonsense variant predicted to result in protein truncation or nonsense mediated decay in a gene for which loss of function is a known mechanism of disease; Not observed at significant frequency in large population cohorts (gnomAD); This variant is associated with the following publications: (PMID: 34953813, 30345613, 29892088)

OMIM
Classification: Pathogenic for RAUCH-STEINDL SYNDROME. Last evaluated: 2022-01-11. Review status: no assertion criteria provided. Collection method: literature only. Allele origin: germline. Not counted in ClinVar's aggregate classification.

Literature cited by the submitters: PubMed 29892088 (cited by 3billion and OMIM).